The following is an entry in ClinVar:

NM_000540.3(RYR1):c.13355_13356delinsAT (p.Gly4452Asp)

Gene: RYR1 (ryanodine receptor 1; plus strand). Cytogenetic location: 19q13.2.
Variant type: Indel.
Coding change: c.13355_13356delinsAT on transcript NM_000540.3 (MANE Select); coding-DNA positions 13355 to 13356, GC replaced by AT.
Protein change: p.Gly4452Asp; replaces glycine 4452 with aspartic acid.
Molecular consequence: missense variant.
Genome position (GRCh38, 1-based): chr19:38,565,689-38,565,690, GC replaced by AT. VCF-style: chr19-38565689-GC-AT. GRCh37 (hg19) VCF-style: chr19-39056329-GC-AT.
Other names: c.13340_13341delinsAT, p.Gly4447Asp (NM_001042723.2); short protein forms G4447D, G4452D.
Identifiers: ClinVar variation 851228 (VCV000851228.6), dbSNP rs1973385537, ClinGen allele CA916082465.

ClinVar aggregate classification (germline): Uncertain significance. Review status: criteria provided, multiple submitters, no conflicts (2 of 4 stars). 2 submissions from 2 submitters: Uncertain significance (2). Last evaluated 2026-03-19.

Conditions:
RYR1-related disorder. Also called: RYR1-related condition; RYR1-related disorders. Identifiers: MedGen CN239331.

Submissions (2):

GeneDx
Classification: Uncertain significance. Last evaluated: 2026-03-19. Review status: criteria provided, single submitter. Criteria: GeneDx Variant Classification Process June 2021. Collection method: clinical testing. Allele origin: germline.
Comment: Not observed at significant frequency in large population cohorts (gnomAD); In silico analysis supports a deleterious effect on protein structure/function; Has not been previously published as pathogenic or benign to our knowledge

Labcorp Genetics (formerly Invitae), Labcorp
Classification: Uncertain significance for RYR1-related disorder. Last evaluated: 2021-08-20. Review status: criteria provided, single submitter. Criteria: Invitae Variant Classification Sherloc (09022015). Collection method: clinical testing. Allele origin: germline.